The following is an entry in ClinVar:

NM_001723.7(DST):c.5462A>G (p.Glu1821Gly)

Gene: DST (dystonin; minus strand). Cytogenetic location: 6p12.1.
Variant type: single nucleotide variant.
Coding change: c.5462A>G on transcript NM_001723.7 (MANE Plus Clinical); coding-DNA position 5462, A replaced by G.
Protein change: p.Glu1821Gly; replaces glutamic acid 1821 with glycine.
Molecular consequence: missense variant. On other transcripts: intron variant (10).
Genome position (GRCh38, 1-based): chr6:56,618,572, T>C on the plus strand (A>G on the coding strand, the complement: DST is on the minus strand). VCF-style: chr6-56618572-T-C. GRCh37 (hg19) VCF-style: chr6-56483370-T-C.
Other names: c.4831-4088A>G (NM_001144769.5); c.4930-4088A>G (NM_001374722.1, NM_001374736.1); c.4957-4088A>G (NM_001374734.1); c.4417-4088A>G (NM_001144770.2); c.4297-4088A>G (NM_001374730.1, NM_001386100.1, NM_183380.4 and 1 more transcripts); c.3319-4088A>G (NM_015548.5); short protein forms E1821G.
Identifiers: ClinVar variation 541454 (VCV000541454.9), dbSNP rs1554504595, ClinGen allele CA364567318.

ClinVar aggregate classification (germline): Uncertain significance (1 of 4 stars; one submission).

Conditions:
Hereditary sensory and autonomic neuropathy type 6. Also called: HSAN VI; Neuropathy, hereditary sensory and autonomic, type VI. Identifiers: Orphanet 314381, MedGen C3539003, MONDO:0013839, OMIM 614653.
Epidermolysis bullosa simplex 3, localized or generalized intermediate, with BP230 deficiency (EBS3). Also called: Epidermolysis bullosa simplex, autosomal recessive 2; Epidermolysis bullosa simplex due to BP230 deficiency. Identifiers: Orphanet 412181, MedGen C3809470, MONDO:0014180, OMIM 615425.

Submission:

Labcorp Genetics (formerly Invitae), Labcorp
Classification: Uncertain significance for Epidermolysis bullosa simplex 3, localized or generalized intermediate, with BP230 deficiency; Hereditary sensory and autonomic neuropathy type 6. Last evaluated: 2022-06-20. Review status: criteria provided, single submitter. Criteria: Invitae Variant Classification Sherloc (09022015). Collection method: clinical testing. Allele origin: germline.
Comment: This sequence change replaces glutamic acid, which is acidic and polar, with glycine, which is neutral and non-polar, at codon 1821 of the DST protein (p.Glu1821Gly). This variant is not present in population databases (gnomAD no frequency). This variant has not been reported in the literature in individuals affected with DST-related conditions. ClinVar contains an entry for this variant (Variation ID: 541454). Algorithms developed to predict the effect of missense changes on protein structure and function (SIFT, PolyPhen-2, Align-GVGD) all suggest that this variant is likely to be disruptive. In summary, the available evidence is currently insufficient to determine the role of this variant in disease. Therefore, it has been classified as a Variant of Uncertain Significance.